The following is an entry in ClinVar:

ClinVar aggregate classification (germline): Uncertain significance (1 of 4 stars; one submission).

Conditions:
Cardiovascular phenotype. Identifiers: MedGen CN230736.

Submission:

Ambry Genetics
Classification: Uncertain significance for Cardiovascular phenotype. Last evaluated: 2022-11-02. Review status: criteria provided, single submitter. Criteria: Ambry Variant Classification Scheme 2023. Collection method: clinical testing. Allele origin: germline.
Comment: The p.S2415T variant (also known as c.7244G>C), located in coding exon 38 of the ANK2 gene, results from a G to C substitution at nucleotide position 7244. The serine at codon 2415 is replaced by threonine, an amino acid with similar properties. This amino acid position is conserved. In addition, this alteration is predicted to be tolerated by in silico analysis. Since supporting evidence is limited at this time, the clinical significance of this alteration remains unclear.

NM_001148.6(ANK2):c.7244G>C (p.Ser2415Thr)

Genes: ANK2 (ankyrin 2; plus strand), LOC126807137 (CDK7 strongly-dependent group 2 enhancer GRCh37_chr4:114276560-114277759; plus strand). Cytogenetic location: 4q26.
Variant type: single nucleotide variant.
Coding change: c.7244G>C on transcript NM_001148.6 (MANE Select); coding-DNA position 7244, G replaced by C.
Protein change: p.Ser2415Thr; replaces serine 2415 with threonine.
Molecular consequence: missense variant. On other transcripts: intron variant (68).
Genome position (GRCh38, 1-based): chr4:113,355,862, G>C. VCF-style: chr4-113355862-G-C. GRCh37 (hg19) VCF-style: chr4-114277018-G-C.
Other names: c.1955-4961G>C (NM_001354278.2, NM_001354281.2); c.827-4961G>C (NM_001386167.1); c.7010G>C, p.Ser2337Thr (NM_001386142.1); c.3644G>C, p.Ser1215Thr (NM_001386166.1); c.7385G>C, p.Ser2462Thr (NM_001386174.1); c.7361G>C, p.Ser2454Thr (NM_001386175.1); c.4412-4961G>C (NM_001386186.2, NM_001386148.2); c.4214-4961G>C (NM_001354269.3); and 35 more; short protein forms S2337T, S2415T, S2462T, S1215T, S2454T.
Identifiers: ClinVar variation 2450620 (VCV002450620.2), dbSNP rs749832637, ClinGen allele CA357929925.